The following is an entry in ClinVar:

ClinVar aggregate classification (germline): Uncertain significance (1 of 4 stars; one submission).

Conditions:
Primary ciliary dyskinesia. Also called: Ciliary dyskinesia. Identifiers: Orphanet 244, MedGen C0008780, MONDO:0016575, HP:0012265.

gnomAD v4.1: 1 of 1,599,620 alleles (0.000063%); highest among the groups gnomAD compares: Middle Eastern, 0.017%; no homozygotes.

Submission:

Labcorp Genetics (formerly Invitae), Labcorp
Classification: Uncertain significance for Primary ciliary dyskinesia. Last evaluated: 2021-09-16. Review status: criteria provided, single submitter. Criteria: Invitae Variant Classification Sherloc (09022015). Collection method: clinical testing. Allele origin: germline.
Comment: This variant has not been reported in the literature in individuals affected with DNAH8-related conditions. In summary, the available evidence is currently insufficient to determine the role of this variant in disease. Therefore, it has been classified as a Variant of Uncertain Significance. Algorithms developed to predict the effect of sequence changes on RNA splicing suggest that this variant may disrupt the consensus splice site. This variant is not present in population databases (ExAC no frequency). This sequence change falls in intron 76 of the DNAH8 gene. It does not directly change the encoded amino acid sequence of the DNAH8 protein.

NM_001206927.2(DNAH8):c.11458-6T>A

Genes: DNAH8 (dynein axonemal heavy chain 8; plus strand), DNAH8-AS1 (DNAH8 antisense RNA 1; minus strand). Cytogenetic location: 6p21.2.
Variant type: single nucleotide variant.
Coding change: c.11458-6T>A on transcript NM_001206927.2 (MANE Select); 6 bases into the intron before coding-DNA position 11458, T replaced by A.
Molecular consequence: intron variant.
Genome position (GRCh38, 1-based): chr6:38,935,586, T>A. VCF-style: chr6-38935586-T-A. GRCh37 (hg19) VCF-style: chr6-38903362-T-A.
Other names: c.10807-6T>A (NM_001371.4).
Identifiers: ClinVar variation 1381547 (VCV001381547.6), dbSNP rs2150585934, ClinGen allele CA2573140351.